The following is an entry in ClinVar:

NM_018124.4(RFWD3):c.1744C>G (p.Gln582Glu)

Gene: RFWD3 (ring finger and WD repeat domain 3; minus strand). Cytogenetic location: 16q23.1.
Variant type: single nucleotide variant.
Coding change: c.1744C>G on transcript NM_018124.4 (MANE Select); coding-DNA position 1744, C replaced by G.
Protein change: p.Gln582Glu; replaces glutamine 582 with glutamic acid.
Molecular consequence: missense variant. On other transcripts: intron variant (1).
Genome position (GRCh38, 1-based): chr16:74,630,791, G>C on the plus strand (C>G on the coding strand, the complement: RFWD3 is on the minus strand). VCF-style: chr16-74630791-G-C. GRCh37 (hg19) VCF-style: chr16-74664689-G-C.
Other names: c.1577+1732C>G (NM_001370536.1); c.910C>G, p.Gln304Glu (NM_001370541.1, NM_001370542.1, NM_001370543.1 and 3 more transcripts); c.1744C>G, p.Gln582Glu (NM_001370534.1, NM_001370535.1); short protein forms Q582E, Q304E.
Identifiers: ClinVar variation 2868596 (VCV002868596.3), dbSNP rs369195135, ClinGen allele CA8169089.

ClinVar aggregate classification (germline): Uncertain significance (1 of 4 stars; one submission).

Allele frequency attached by ClinVar (database versions not stated): ExAC 0.00002; gnomAD 0.00003; gnomAD exomes 0.00001; TOPMed 0.00003; ESP Exome Variant Server 0.00008.
gnomAD v4.1: 13 of 1,598,776 alleles (0.00081%); highest among the groups gnomAD compares: African/African-American, 0.0014%; no homozygotes.

Submission:

Labcorp Genetics (formerly Invitae), Labcorp
Classification: Uncertain significance. Last evaluated: 2025-09-01. Review status: criteria provided, single submitter. Criteria: Invitae Variant Classification Sherloc (09022015). Collection method: clinical testing. Allele origin: germline.
Comment: This sequence change replaces glutamine, which is neutral and polar, with glutamic acid, which is acidic and polar, at codon 582 of the RFWD3 protein (p.Gln582Glu). This variant is present in population databases (rs369195135, gnomAD 0.004%). This variant has not been reported in the literature in individuals affected with RFWD3-related conditions. ClinVar contains an entry for this variant (Variation ID: 2868596). An algorithm developed to predict the effect of missense changes on protein structure and function (PolyPhen-2) suggests that this variant is likely to be tolerated. In summary, the available evidence is currently insufficient to determine the role of this variant in disease. Therefore, it has been classified as a Variant of Uncertain Significance.